The following is an entry in ClinVar:

ClinVar aggregate classification (germline): Uncertain significance (1 of 4 stars; one submission).

Conditions:
Bloom syndrome (BLM). Also called: Bloom-Torre-Machacek syndrome. Identifiers: Orphanet 125, MedGen C0005859, MONDO:0008876, OMIM 210900.

Submission:

Labcorp Genetics (formerly Invitae), Labcorp
Classification: Uncertain significance for Bloom syndrome. Last evaluated: 2023-12-06. Review status: criteria provided, single submitter. Criteria: Invitae Variant Classification Sherloc (09022015). Collection method: clinical testing. Allele origin: germline.
Comment: This variant, c.3383_3384delinsATATTTGTATACTT, is a complex sequence change that results in the deletion of 1 amino acid and insertion of 5 amino acid(s) in the BLM protein (p.Ser1128delinsTyrIleCysIleLeu). Information on the frequency of this variant in the gnomAD database is not available, as this variant may be reported differently in the database. This variant has not been reported in the literature in individuals affected with BLM-related conditions. ClinVar contains an entry for this variant (Variation ID: 660939). Experimental studies and prediction algorithms are not available or were not evaluated, and the functional significance of this variant is currently unknown. In summary, the available evidence is currently insufficient to determine the role of this variant in disease. Therefore, it has been classified as a Variant of Uncertain Significance.

NM_000057.4(BLM):c.3383_3384delinsATATTTGTATACTT (p.Ser1128delinsTyrIleCysIleLeu)

Gene: BLM (BLM RecQ like helicase; plus strand). Cytogenetic location: 15q26.1.
Variant type: Indel.
Coding change: c.3383_3384delinsATATTTGTATACTT on transcript NM_000057.4 (MANE Select); coding-DNA positions 3383 to 3384, CA replaced by ATATTTGTATACTT.
Protein change: p.Ser1128delinsTyrIleCysIleLeu.
Molecular consequence: inframe indel. On other transcripts: intron variant (1).
Genome position (GRCh38, 1-based): chr15:90,803,545-90,803,546, CA replaced by ATATTTGTATACTT. VCF-style: chr15-90803545-CA-ATATTTGTATACTT. GRCh37 (hg19) VCF-style: chr15-91346775-CA-ATATTTGTATACTT.
Other names: c.3383_3384delinsATATTTGTATACTT, p.Ser1128delinsTyrIleCysIleLeu (NM_001287246.2); c.2258_2259delinsATATTTGTATACTT, p.Ser753delinsTyrIleCysIleLeu (NM_001287248.2); c.3358+5208_3358+5209delinsATATTTGTATACTT (NM_001287247.2).
Identifiers: ClinVar variation 660939 (VCV000660939.7), dbSNP rs1596267423, ClinGen allele CA915946140.
Genomic context (GRCh38, chr15:90,803,545, plus strand): 5'-CATTTACTCATCTTACTTCCTGTATCTTCTTATCAGGGAGTAAGAGTGCAAAAATCCAGT[CA>ATATTTGTATACTT]GGTATATTTGGAAAAGGATCTGCTTATTCACGACACAATGCCGAAAGACTTTTTAAAAAG-3'